The following is an entry in ClinVar:

NM_001972.4(ELANE):c.511G>A (p.Glu171Lys)

Gene: ELANE (elastase, neutrophil expressed; plus strand). Cytogenetic location: 19p13.3.
Variant type: single nucleotide variant.
Coding change: c.511G>A on transcript NM_001972.4 (MANE Select); coding-DNA position 511, G replaced by A.
Protein change: p.Glu171Lys; replaces glutamic acid 171 with lysine.
Molecular consequence: missense variant.
Genome position (GRCh38, 1-based): chr19:855,708, G>A. VCF-style: chr19-855708-G-A. GRCh37 (hg19) VCF-style: chr19-855708-G-A.
Other names: short protein forms E171K.
Identifiers: ClinVar variation 956071 (VCV000956071.20), dbSNP rs202069727, ClinGen allele CA9026080.
Genomic context (GRCh38, chr19:855,708, plus strand): 5'-TGCCTGGCCATGGGCTGGGGCCTTCTGGGCAGGAACCGTGGGATCGCCAGCGTCCTGCAG[G>A]AGCTCAACGTGACGGTGGTGACGTCCCTCTGCCGTCGCAGCAACGTCTGCACTCTCGTGA-3'
Protein context (NP_001963.1, residues 161-181): RNRGIASVLQ[Glu171Lys]LNVTVVTSLC

ClinVar aggregate classification (germline): Uncertain significance. Review status: criteria provided, multiple submitters, no conflicts (2 of 4 stars). 2 submissions from 2 submitters: Uncertain significance (2). Last evaluated 2025-05-01.

Conditions:
Neutropenia, severe congenital, 1, autosomal dominant. Identifiers: MedGen C1859966, MONDO:0042490, OMIM 202700.
Cyclical neutropenia. Also called: Cyclic Neutropenia; Cyclic hematopoiesis. Identifiers: Orphanet 2686, MedGen C0221023, MONDO:0008090, OMIM 162800, HP:0040289. Disease mechanism: loss of function.

Allele frequency attached by ClinVar (database versions not stated): ExAC 0.00001; gnomAD 0.00001; gnomAD exomes 0.00003; TOPMed 0.00004.

Submissions (2):

CeGaT Center for Human Genetics Tuebingen
Classification: Uncertain significance. Last evaluated: 2025-05-01. Review status: criteria provided, single submitter. Criteria: CeGaT Center For Human Genetics Tuebingen Variant Classification Criteria Version 2. Collection method: clinical testing. Allele origin: germline. Affected: yes. Observed: 1 variant allele.

Labcorp Genetics (formerly Invitae), Labcorp
Classification: Uncertain significance for Neutropenia, severe congenital, 1, autosomal dominant; Cyclical neutropenia. Last evaluated: 2024-05-27. Review status: criteria provided, single submitter. Criteria: Invitae Variant Classification Sherloc (09022015). Collection method: clinical testing. Allele origin: germline.
Comment: This sequence change replaces glutamic acid, which is acidic and polar, with lysine, which is basic and polar, at codon 171 of the ELANE protein (p.Glu171Lys). This variant is present in population databases (rs202069727, gnomAD 0.006%). This variant has not been reported in the literature in individuals affected with ELANE-related conditions. ClinVar contains an entry for this variant (Variation ID: 956071). Advanced modeling of protein sequence and biophysical properties (such as structural, functional, and spatial information, amino acid conservation, physicochemical variation, residue mobility, and thermodynamic stability) performed at Invitae indicates that this missense variant is expected to disrupt ELANE protein function with a positive predictive value of 80%. In summary, the available evidence is currently insufficient to determine the role of this variant in disease. Therefore, it has been classified as a Variant of Uncertain Significance.